The following is an entry in ClinVar:

ClinVar aggregate classification (germline): Uncertain significance (1 of 4 stars; one submission).

Conditions:
Progressive microcephaly-seizures-cortical blindness-developmental delay syndrome. Also called: Seizures, cortical blindness, and microcephaly syndrome. Identifiers: Orphanet 477814, MedGen C5567650, MONDO:0014714, OMIM 616632.
Autosomal dominant nonsyndromic hearing loss 1. Also called: KONIGSMARK SYNDROME; DEAFNESS, AUTOSOMAL DOMINANT 1, WITH OR WITHOUT THROMBOCYTOPENIA. Identifiers: Orphanet 90635, MedGen C1852282, MONDO:0007424, OMIM 124900.

Allele frequency attached by ClinVar (database versions not stated): gnomAD exomes below 0.00001.
gnomAD v4.1: 1 of 1,558,262 alleles (0.000064%); no homozygotes.

Submission:

Labcorp Genetics (formerly Invitae), Labcorp
Classification: Uncertain significance for Progressive microcephaly-seizures-cortical blindness-developmental delay syndrome; Autosomal dominant nonsyndromic hearing loss 1. Last evaluated: 2022-04-18. Review status: criteria provided, single submitter. Criteria: Invitae Variant Classification Sherloc (09022015). Collection method: clinical testing. Allele origin: germline.
Comment: Algorithms developed to predict the effect of missense changes on protein structure and function are either unavailable or do not agree on the potential impact of this missense change (SIFT: "Deleterious"; PolyPhen-2: "Not Available"; Align-GVGD: "Class C0"). In summary, the available evidence is currently insufficient to determine the role of this variant in disease. Therefore, it has been classified as a Variant of Uncertain Significance. This variant has not been reported in the literature in individuals affected with DIAPH1-related conditions. The frequency data for this variant in the population databases is considered unreliable, as metrics indicate poor data quality at this position in the gnomAD database. This sequence change replaces proline, which is neutral and non-polar, with arginine, which is basic and polar, at codon 613 of the DIAPH1 protein (p.Pro613Arg).

NM_005219.5(DIAPH1):c.1838C>G (p.Pro613Arg)

Gene: DIAPH1 (diaphanous related formin 1; minus strand). Cytogenetic location: 5q31.3.
Variant type: single nucleotide variant.
Coding change: c.1838C>G on transcript NM_005219.5 (MANE Select); coding-DNA position 1838, C replaced by G.
Protein change: p.Pro613Arg; replaces proline 613 with arginine.
Molecular consequence: missense variant.
Genome position (GRCh38, 1-based): chr5:141,574,012, G>C on the plus strand (C>G on the coding strand, the complement: DIAPH1 is on the minus strand). VCF-style: chr5-141574012-G-C. GRCh37 (hg19) VCF-style: chr5-140953579-G-C.
Other names: c.1811C>G, p.Pro604Arg (NM_001079812.3); c.1838C>G, p.Pro613Arg (NM_001314007.2); short protein forms P604R, P613R.
Identifiers: ClinVar variation 2064353 (VCV002064353.4), dbSNP rs753600371, ClinGen allele CA3479205.